The following is an entry in ClinVar:

ClinVar aggregate classification (germline): Conflicting classifications of pathogenicity. Review status: criteria provided, conflicting classifications (1 of 4 stars). 7 submissions from 7 submitters: Uncertain significance (4); Likely benign (1). 2 of the submissions do not count toward it. Last evaluated 2026-03-13.

Conditions:
IMPG2-related disorder. Also called: IMPG2-related condition.
Inborn genetic diseases. Identifiers: MedGen C0950123, MeSH D030342.
Retinitis pigmentosa (RP). Identifiers: Orphanet 791, MedGen C0035334, MeSH D012174, MONDO:0019200, OMIM 268000. Inheritance: Autosomal dominant, autosomal recessive and X linked inheritance.

Allele frequency attached by ClinVar (database versions not stated): 1000 Genomes Project 30x 0.00031; TOPMed 0.00034; ESP Exome Variant Server 0.00038; gnomAD 0.00040 and 0.00041; ExAC 0.00023.
gnomAD v4.1: 691 of 1,614,144 alleles (0.043%); highest among the groups gnomAD compares: Non-Finnish European, 0.054%; 1 homozygote.

Submissions (7):

PreventionGenetics, part of Exact Sciences
Classification: Uncertain significance for IMPG2-related condition. Last evaluated: 2026-03-13. Review status: criteria provided, single submitter. Criteria: ACMG Guidelines, 2015. Collection method: clinical testing. Allele origin: germline.
Comment: The IMPG2 c.1495C>A variant is predicted to result in the amino acid substitution p.Pro499Thr. To our knowledge, this variant has not been reported in the literature. This variant is reported in 0.058% of alleles in individuals of European (Non-Finnish) descent in gnomAD, which may be too frequent to be a primary cause of disease. Although we suspect that this variant may be benign, at this time, the clinical significance of this variant is uncertain due to the absence of conclusive functional and genetic evidence.

Ambry Genetics
Classification: Uncertain significance for Inborn genetic diseases. Last evaluated: 2025-12-19. Review status: criteria provided, single submitter. Criteria: Ambry Variant Classification Scheme 2023. Collection method: clinical testing. Allele origin: germline.

Labcorp Genetics (formerly Invitae), Labcorp
Classification: Uncertain significance. Last evaluated: 2025-12-16. Review status: criteria provided, single submitter. Criteria: Invitae Variant Classification Sherloc (09022015). Collection method: clinical testing. Allele origin: germline.
Comment: This sequence change replaces proline, which is neutral and non-polar, with threonine, which is neutral and polar, at codon 499 of the IMPG2 protein (p.Pro499Thr). This variant is present in population databases (rs143635399, gnomAD 0.05%). This variant has not been reported in the literature in individuals affected with IMPG2-related conditions. ClinVar contains an entry for this variant (Variation ID: 342349). Invitae Evidence Modeling of protein sequence and biophysical properties (such as structural, functional, and spatial information, amino acid conservation, physicochemical variation, residue mobility, and thermodynamic stability) indicates that this missense variant is not expected to disrupt IMPG2 protein function with a negative predictive value of 80%. In summary, the available evidence is currently insufficient to determine the role of this variant in disease. Therefore, it has been classified as a Variant of Uncertain Significance.

Blueprint Genetics
Classification: Likely benign. Last evaluated: 2024-07-31. Review status: criteria provided, single submitter. Criteria: ACMG Guidelines, 2015. Collection method: clinical testing. Allele origin: germline.

Illumina Laboratory Services, Illumina
Classification: Uncertain significance for Retinitis pigmentosa. Last evaluated: 2018-01-12. Review status: criteria provided, single submitter. Criteria: ICSL Variant Classification Criteria 13 December 2019. Collection method: clinical testing. Allele origin: germline.

Clinical Genetics DNA and cytogenetics Diagnostics Lab, Erasmus MC, Erasmus Medical Center
Classification: Likely benign. Review status: no assertion criteria provided. Collection method: clinical testing. Allele origin: germline. Affected: yes. Study: VKGL Data-share Consensus. Not counted in ClinVar's aggregate classification.

Clinical Genetics, Academic Medical Center
Classification: Benign. Review status: no assertion criteria provided. Collection method: clinical testing. Allele origin: germline. Affected: yes. Study: VKGL Data-share Consensus. Not counted in ClinVar's aggregate classification.

NM_016247.4(IMPG2):c.1495C>A (p.Pro499Thr)

Gene: IMPG2 (interphotoreceptor matrix proteoglycan 2; minus strand). Cytogenetic location: 3q12.3.
Variant type: single nucleotide variant.
Coding change: c.1495C>A on transcript NM_016247.4 (MANE Select); coding-DNA position 1495, C replaced by A.
Protein change: p.Pro499Thr; replaces proline 499 with threonine.
Molecular consequence: missense variant.
Genome position (GRCh38, 1-based): chr3:101,245,850, G>T on the plus strand (C>A on the coding strand, the complement: IMPG2 is on the minus strand). VCF-style: chr3-101245850-G-T. GRCh37 (hg19) VCF-style: chr3-100964694-G-T.
Other names: short protein forms P499T.
Identifiers: ClinVar variation 342349 (VCV000342349.18), dbSNP rs143635399, ClinGen allele CA2519155.
Genomic context (GRCh38, chr3:101,245,850, plus strand): 5'-AAAGTTTCTCACCATCTTCTACCAAGTGAGATCCAGAAGTCCTTTCCTCAGAAGCCACAG[G>T]CAAGCCAGTCTGAAGCACTGCCGGGGTGACAGAATGAAGAGTCAAGCTGCTAACCTCTAA-3'
Protein context (NP_057331.2, residues 489-509): VTPAVLQTGL[Pro499Thr]VASEERTSGS